The following is an entry in ClinVar:

NM_001018111.3(PODXL):c.73T>C (p.Ser25Pro)

Genes: PODXL (podocalyxin like; minus strand), LOC129999375 (ATAC-STARR-seq lymphoblastoid silent region 18663; plus strand). Cytogenetic location: 7q32.3.
Variant type: single nucleotide variant.
Coding change: c.73T>C on transcript NM_001018111.3 (MANE Select); coding-DNA position 73, T replaced by C.
Protein change: p.Ser25Pro; replaces serine 25 with proline.
Molecular consequence: missense variant.
Genome position (GRCh38, 1-based): chr7:131,556,287, A>G on the plus strand (T>C on the coding strand, the complement: PODXL is on the minus strand). VCF-style: chr7-131556287-A-G. GRCh37 (hg19) VCF-style: chr7-131241046-A-G.
Other names: c.73T>C, p.Ser25Pro (NM_005397.4); short protein forms S25P.
Identifiers: ClinVar variation 1506546 (VCV001506546.7), dbSNP rs200613292, ClinGen allele CA166922508.
Genomic context (GRCh38, chr7:131,556,287, plus strand): 5'-GGAGTCCCGGCGGAACCCAGGCCGGCCACTCACCATTCTGGGAGGGCGACGGCGACGGCG[A>G]CGGCGACGACGGCAGCAGCGGCGGCGTTGACAACAGTAGCAGCAGCGCCGAGAGCGCCAG-3'
Protein context (NP_001018121.1, residues 15-35): STPPLLPSSP[Ser25Pro]PSPSPSQNAT

ClinVar aggregate classification (germline): Uncertain significance. Review status: criteria provided, multiple submitters, no conflicts (2 of 4 stars). 2 submissions from 2 submitters: Uncertain significance (2). Last evaluated 2026-02-01.

Allele frequency attached by ClinVar (database versions not stated): gnomAD exomes 0.00003; ESP Exome Variant Server 0.00026; TOPMed 0.00631.

Submissions (2):

Labcorp Genetics (formerly Invitae), Labcorp
Classification: Uncertain significance. Last evaluated: 2026-02-01. Review status: criteria provided, single submitter. Criteria: Invitae Variant Classification Sherloc (09022015). Collection method: clinical testing. Allele origin: germline.
Comment: This sequence change replaces serine, which is neutral and polar, with proline, which is neutral and non-polar, at codon 25 of the PODXL protein (p.Ser25Pro). The frequency data for this variant in the population databases is considered unreliable, as metrics indicate poor data quality at this position in the gnomAD database. This variant has not been reported in the literature in individuals affected with PODXL-related conditions. ClinVar contains an entry for this variant (Variation ID: 1506546). Experimental studies and prediction algorithms are not available or were not evaluated, and the functional significance of this variant is currently unknown. In summary, the available evidence is currently insufficient to determine the role of this variant in disease. Therefore, it has been classified as a Variant of Uncertain Significance.

Breakthrough Genomics
Classification: Uncertain significance. Review status: criteria provided, single submitter. Criteria: ACMG Guidelines, 2015. Collection method: not provided. Allele origin: germline. Inheritance: Autosomal recessive inheritance. Affected: yes.